The following is an entry in ClinVar:

NM_002075.4(GNB3):c.428C>T (p.Thr143Ile)

Gene: GNB3 (G protein subunit beta 3; plus strand). Cytogenetic location: 12p13.31.
Variant type: single nucleotide variant.
Coding change: c.428C>T on transcript NM_002075.4 (MANE Select); coding-DNA position 428, C replaced by T.
Protein change: p.Thr143Ile; replaces threonine 143 with isoleucine.
Molecular consequence: missense variant.
Genome position (GRCh38, 1-based): chr12:6,843,523, C>T. VCF-style: chr12-6843523-C-T. GRCh37 (hg19) VCF-style: chr12-6952687-C-T.
Other names: c.428C>T, p.Thr143Ile (NM_001297571.2); short protein forms T143I.
Identifiers: ClinVar variation 4807566 (VCV004807566.1).
Genomic context (GRCh38, chr12:6,843,523, plus strand): 5'-TCTACAACCTCAAATCCCGTGAGGGCAATGTCAAGGTCAGCCGGGAGCTTTCTGCTCACA[C>T]AGGTGAGGGAGAGACCCTCTCCTCCCCTCCTGAGGGGTTCAGGGAACCCTGGGCTTCCAG-3'
Protein context (NP_002066.1, residues 133-153): VKVSRELSAH[Thr143Ile]GYLSCCRFLD

ClinVar aggregate classification (germline): Uncertain significance (1 of 4 stars; one submission).

Submission:

Labcorp Genetics (formerly Invitae), Labcorp
Classification: Uncertain significance. Last evaluated: 2025-12-29. Review status: criteria provided, single submitter. Criteria: Invitae Variant Classification Sherloc (09022015). Collection method: clinical testing. Allele origin: germline.
Comment: This sequence change replaces threonine, which is neutral and polar, with isoleucine, which is neutral and non-polar, at codon 143 of the GNB3 protein (p.Thr143Ile). This variant is not present in population databases (gnomAD no frequency). This variant has not been reported in the literature in individuals affected with GNB3-related conditions. An algorithm developed to predict the effect of missense changes on protein structure and function (PolyPhen-2) suggests that this variant is likely to be disruptive. Algorithms developed to predict the effect of sequence changes on RNA splicing suggest that this variant may create or strengthen a splice site. In summary, the available evidence is currently insufficient to determine the role of this variant in disease. Therefore, it has been classified as a Variant of Uncertain Significance.